The following is an entry in ClinVar:

ClinVar aggregate classification (germline): Uncertain significance (1 of 4 stars; one submission).

gnomAD v4.1: 2 of 1,611,558 alleles (0.00012%); highest among the groups gnomAD compares: Non-Finnish European, 0.000085%; no homozygotes.

Submission:

Ambry Genetics
Classification: Uncertain significance. Last evaluated: 2024-10-13. Review status: criteria provided, single submitter. Criteria: Ambry Variant Classification Scheme 2023. Collection method: clinical testing. Allele origin: germline.
Comment: The p.K242E variant (also known as c.724A>G), located in coding exon 8 of the FAM175A gene, results from an A to G substitution at nucleotide position 724. The lysine at codon 242 is replaced by glutamic acid, an amino acid with similar properties. This amino acid position is conserved. In addition, this alteration is predicted to be tolerated by in silico analysis. Based on the available evidence, the clinical significance of this variant remains unclear.

NM_139076.3(ABRAXAS1):c.724A>G (p.Lys242Glu)

Gene: ABRAXAS1 (abraxas 1, BRCA1 A complex subunit; minus strand). Cytogenetic location: 4q21.23.
Variant type: single nucleotide variant.
Coding change: c.724A>G on transcript NM_139076.3 (MANE Select); coding-DNA position 724, A replaced by G.
Protein change: p.Lys242Glu; replaces lysine 242 with glutamic acid.
Molecular consequence: missense variant.
Genome position (GRCh38, 1-based): chr4:83,463,566, T>C on the plus strand (A>G on the coding strand, the complement: ABRAXAS1 is on the minus strand). VCF-style: chr4-83463566-T-C. GRCh37 (hg19) VCF-style: chr4-84384719-T-C.
Other names: c.397A>G, p.Lys133Glu (NM_001345962.2); short protein forms K133E, K242E.
Identifiers: ClinVar variation 3445489 (VCV003445489.1).
Genomic context (GRCh38, chr4:83,463,566, plus strand): 5'-TCTGTGCTCCTCTCCTTTTCTCAATTTCTCGTTTTAATCTGTTTACATCCTTTACTAGTT[T>C]ATCTACTGCTTGTTCACTGTCTTCCACTTTTTTGCATATACTCTGCAAAATAAAGTAATT-3'
Protein context (NP_620775.2, residues 232-252): KVEDSEQAVD[Lys242Glu]LVKDVNRLKR